The following is an entry in ClinVar:

NM_001134831.2(AHI1):c.1813C>A (p.Leu605Ile)

Gene: AHI1 (Abelson helper integration site 1; minus strand). Cytogenetic location: 6q23.3.
Variant type: single nucleotide variant.
Coding change: c.1813C>A on transcript NM_001134831.2 (MANE Select); coding-DNA position 1813, C replaced by A.
Protein change: p.Leu605Ile; replaces leucine 605 with isoleucine.
Molecular consequence: missense variant.
Genome position (GRCh38, 1-based): chr6:135,442,681, G>T on the plus strand (C>A on the coding strand, the complement: AHI1 is on the minus strand). VCF-style: chr6-135442681-G-T. GRCh37 (hg19) VCF-style: chr6-135763819-G-T.
Other names: c.1813C>A, p.Leu605Ile (NM_001134830.2, NM_001134832.2, NM_001350503.2 and 2 more transcripts); short protein forms L605I.
Identifiers: ClinVar variation 2119054 (VCV002119054.4), dbSNP rs2484719303, ClinGen allele CA365744622.

ClinVar aggregate classification (germline): Uncertain significance (1 of 4 stars; one submission).

Conditions:
Joubert syndrome. Also called: CEREBELLOPARENCHYMAL DISORDER IV; JOUBERT-BOLTSHAUSER SYNDROME; Familial aplasia of the vermis. Identifiers: Orphanet 475, MedGen C5979921, MONDO:0018772.

Submission:

Labcorp Genetics (formerly Invitae), Labcorp
Classification: Uncertain significance for Joubert syndrome. Last evaluated: 2022-03-28. Review status: criteria provided, single submitter. Criteria: Invitae Variant Classification Sherloc (09022015). Collection method: clinical testing. Allele origin: germline.
Comment: In summary, the available evidence is currently insufficient to determine the role of this variant in disease. Therefore, it has been classified as a Variant of Uncertain Significance. Advanced modeling of protein sequence and biophysical properties (such as structural, functional, and spatial information, amino acid conservation, physicochemical variation, residue mobility, and thermodynamic stability) performed at Invitae indicates that this missense variant is not expected to disrupt AHI1 protein function. This variant has not been reported in the literature in individuals affected with AHI1-related conditions. This variant is not present in population databases (gnomAD no frequency). This sequence change replaces leucine, which is neutral and non-polar, with isoleucine, which is neutral and non-polar, at codon 605 of the AHI1 protein (p.Leu605Ile).